The following is an entry in ClinVar:

ClinVar aggregate classification (germline): Likely benign (1 of 4 stars; one submission).

Submission:

GeneDx
Classification: Likely benign. Last evaluated: 2017-06-26. Review status: criteria provided, single submitter. Criteria: GeneDx Variant Classification (06012015). Collection method: clinical testing. Allele origin: germline. Affected: yes.
Comment: This variant is considered likely benign or benign based on one or more of the following criteria: it is a conservative change, it occurs at a poorly conserved position in the protein, it is predicted to be benign by multiple in silico algorithms, and/or has population frequency not consistent with disease.

NM_001035.3(RYR2):c.-27C>T

Gene: RYR2 (ryanodine receptor 2; plus strand). Cytogenetic location: 1q43.
Variant type: single nucleotide variant.
Coding change: c.-27C>T on transcript NM_001035.3 (MANE Select); 27 bases upstream of the start codon, C replaced by T.
Molecular consequence: 5 prime UTR variant.
Genome position (GRCh38, 1-based): chr1:237,042,495, C>T. VCF-style: chr1-237042495-C-T. GRCh37 (hg19) VCF-style: chr1-237205795-C-T.
Other names: c.-27C>T (LRG_402t1).
Identifiers: ClinVar variation 518118 (VCV000518118.1), dbSNP rs886046260, ClinGen allele CA658795626.